The following is an entry in ClinVar:

ClinVar aggregate classification (germline): Benign/Likely benign. Review status: criteria provided, multiple submitters, no conflicts (2 of 4 stars). 4 submissions from 4 submitters: Benign (3); Likely benign (1). Last evaluated 2024-11-26.

Conditions:
Platelet-type bleeding disorder 9 (BDPLT9). Also called: GLYCOPROTEIN Ia DEFICIENCY; GP Ia DEFICIENCY; COLLAGEN PLATELET RECEPTOR DEFICIENCY. Identifiers: Orphanet 73271, Orphanet 98886, MedGen C3280114, MONDO:0013622, OMIM 614200.

Allele frequency attached by ClinVar (database versions not stated): 1000 Genomes Project 30x 0.33495; 1000 Genomes Project 0.33726; ESP Exome Variant Server 0.36491; gnomAD 0.36561; TOPMed 0.36601.
gnomAD v4.1: 634,007 of 1,610,664 alleles (39%); highest among the groups gnomAD compares: Admixed American, 45%; 126,369 homozygotes.

Submissions (4):

Blueprint Genetics
Classification: Likely benign. Last evaluated: 2024-11-26. Review status: criteria provided, single submitter. Criteria: ACMG Guidelines, 2015. Collection method: clinical testing. Allele origin: germline.

GeneDx
Classification: Benign. Last evaluated: 2018-11-12. Review status: criteria provided, single submitter. Criteria: GeneDx Variant Classification Process June 2021. Collection method: clinical testing. Allele origin: germline. Affected: yes.

Illumina Laboratory Services, Illumina
Classification: Benign for Platelet-type bleeding disorder 9. Last evaluated: 2018-01-12. Review status: criteria provided, single submitter. Criteria: ICSL Variant Classification Criteria 13 December 2019. Collection method: clinical testing. Allele origin: germline.
Comment: This variant was observed in the ICSL laboratory as part of a predisposition screen in an ostensibly healthy population. It had not been previously curated by ICSL or reported in the Human Gene Mutation Database (HGMD: prior to June 1st, 2018), and was therefore a candidate for classification through an automated scoring system. Utilizing variant allele frequency, disease prevalence and penetrance estimates, and inheritance mode, an automated score was calculated to assess if this variant is too frequent to cause the disease. Based on the score and internal cut-off values, a variant classified as benign is not then subjected to further curation. The score for this variant resulted in a classification of benign for this disease.

Breakthrough Genomics
Classification: Benign. Review status: criteria provided, single submitter. Criteria: ACMG Guidelines, 2015. Collection method: not provided. Allele origin: germline. Inheritance: Unknown mechanism. Affected: yes.

NM_002203.4(ITGA2):c.1312+12T>C

Gene: ITGA2 (integrin subunit alpha 2; plus strand). Cytogenetic location: 5q11.2.
Variant type: single nucleotide variant.
Coding change: c.1312+12T>C on transcript NM_002203.4 (MANE Select); 12 bases into the intron after coding-DNA position 1312, T replaced by C.
Molecular consequence: intron variant.
Genome position (GRCh38, 1-based): chr5:53,060,024, T>C. VCF-style: chr5-53060024-T-C. GRCh37 (hg19) VCF-style: chr5-52355854-T-C.
Identifiers: ClinVar variation 353751 (VCV000353751.10), dbSNP rs2303127, ClinGen allele CA3262855.